The following is an entry in ClinVar:

ClinVar aggregate classification (germline): Uncertain significance. Review status: criteria provided, multiple submitters, no conflicts (2 of 4 stars). 2 submissions from 2 submitters: Uncertain significance (2). Last evaluated 2023-07-06.

Conditions:
Growth hormone insensitivity with immune dysregulation 1, autosomal recessive. Also called: GROWTH HORMONE INSENSITIVITY SYNDROME WITH IMMUNE DYSREGULATION 1, AUTOSOMAL RECESSIVE; GROWTH HORMONE INSENSITIVITY DUE TO POSTRECEPTOR DEFECT; LARON SYNDROME DUE TO POSTRECEPTOR DEFECT; Laron syndrome with immunodeficiency. Identifiers: Orphanet 220465, MedGen C5435698, MONDO:0100211, OMIM 245590.

Allele frequency attached by ClinVar (database versions not stated): gnomAD exomes 0.00001.
gnomAD v4.1: 2 of 1,614,192 alleles (0.00012%); no homozygotes.

Submissions (2):

Blueprint Genetics
Classification: Uncertain significance. Last evaluated: 2023-07-06. Review status: criteria provided, single submitter. Criteria: ACMG Guidelines, 2015. Collection method: clinical testing. Allele origin: germline.

Labcorp Genetics (formerly Invitae), Labcorp
Classification: Uncertain significance for Growth hormone insensitivity with immune dysregulation 1, autosomal recessive. Last evaluated: 2022-08-31. Review status: criteria provided, single submitter. Criteria: Invitae Variant Classification Sherloc (09022015). Collection method: clinical testing. Allele origin: germline.
Comment: ClinVar contains an entry for this variant (Variation ID: 1054318). This variant has not been reported in the literature in individuals affected with STAT5B-related conditions. This variant is present in population databases (no rsID available, gnomAD 0.0009%). This sequence change replaces glutamine, which is neutral and polar, with leucine, which is neutral and non-polar, at codon 378 of the STAT5B protein (p.Gln378Leu). Algorithms developed to predict the effect of missense changes on protein structure and function are either unavailable or do not agree on the potential impact of this missense change (SIFT: "Deleterious"; PolyPhen-2: "Benign"; Align-GVGD: "Class C65"). In summary, the available evidence is currently insufficient to determine the role of this variant in disease. Therefore, it has been classified as a Variant of Uncertain Significance.

NM_012448.4(STAT5B):c.1133A>T (p.Gln378Leu)

Gene: STAT5B (signal transducer and activator of transcription 5B; minus strand). Cytogenetic location: 17q21.2.
Variant type: single nucleotide variant.
Coding change: c.1133A>T on transcript NM_012448.4 (MANE Select); coding-DNA position 1133, A replaced by T.
Protein change: p.Gln378Leu; replaces glutamine 378 with leucine.
Molecular consequence: missense variant.
Genome position (GRCh38, 1-based): chr17:42,218,187, T>A on the plus strand (A>T on the coding strand, the complement: STAT5B is on the minus strand). VCF-style: chr17-42218187-T-A. GRCh37 (hg19) VCF-style: chr17-40370205-T-A.
Other names: short protein forms Q378L.
Identifiers: ClinVar variation 1054318 (VCV001054318.10), dbSNP rs1437950343, ClinGen allele CA399584560.